The following is an entry in ClinVar:

ClinVar aggregate classification (germline): Pathogenic (1 of 4 stars; one submission).

Conditions:
Alstrom syndrome (ALMS). Identifiers: Orphanet 64, MedGen C0268425, MONDO:0008763, OMIM 203800.

Submission:

Labcorp Genetics (formerly Invitae), Labcorp
Classification: Pathogenic for Alstrom syndrome. Last evaluated: 2020-10-14. Review status: criteria provided, single submitter. Criteria: Invitae Variant Classification Sherloc (09022015). Collection method: clinical testing. Allele origin: germline.
Comment: This sequence change creates a premature translational stop signal (p.Leu1425*) in the ALMS1 gene. It is expected to result in an absent or disrupted protein product. Loss-of-function variants in ALMS1 are known to be pathogenic (PMID: 17594715). For these reasons, this variant has been classified as Pathogenic. This variant has been observed in individual(s) with clinical features of Alstrom syndrome (PMID: 25846608). This variant is not present in population databases (ExAC no frequency).

Literature cited by the submitters: PubMed 17594715; PubMed 25846608.

NM_001378454.1(ALMS1):c.4271T>A (p.Leu1424Ter)

Gene: ALMS1 (ALMS1 centrosome and basal body associated protein; plus strand). Cytogenetic location: 2p13.1.
Variant type: single nucleotide variant.
Coding change: c.4271T>A on transcript NM_001378454.1 (MANE Select); coding-DNA position 4271, T replaced by A.
Protein change: p.Leu1424Ter; replaces leucine 1424 with a stop codon.
Molecular consequence: nonsense.
Genome position (GRCh38, 1-based): chr2:73,450,798, T>A. VCF-style: chr2-73450798-T-A. GRCh37 (hg19) VCF-style: chr2-73677925-T-A.
Other names: c.4274T>A, p.Leu1425Ter (NM_015120.4); short protein forms L1424*, L1425*.
Identifiers: ClinVar variation 1458158 (VCV001458158.8), dbSNP rs2103782122, ClinGen allele CA347277946.